The following is an entry in ClinVar:

ClinVar aggregate classification (germline): Pathogenic. Review status: no assertion criteria provided (0 of 4 stars). 2 submissions from 2 submitters: Pathogenic (2). Last evaluated 1991-06-01.

Conditions:
Ornithine carbamoyltransferase deficiency (OTCD). Also called: ORNITHINE TRANSCARBAMYLASE DEFICIENCY, HYPERAMMONEMIA DUE TO; OTC DEFICIENCY; ORNITHINE TRANSCARBAMYLASE DEFICIENCY; Ornithine Carbamoyltransferase Deficiency Disease. Identifiers: Orphanet 664, MedGen C0268542, MONDO:0010703, OMIM 311250.

Submissions (2):

OMIM
Classification: Pathogenic for ORNITHINE TRANSCARBAMYLASE DEFICIENCY. Last evaluated: 1991-06-01. Review status: no assertion criteria provided. Collection method: literature only. Allele origin: germline.

GenMed Metabolism Lab
Classification: Pathogenic. Review status: no assertion criteria provided. Collection method: not provided. Allele origin: unknown.
Comment: Neonatal, Donor splice site error, skipping exon 7
ClinVar note: Converted during submission from pathogenic to Pathogenic.

Literature cited by the submitters: PubMed 2035531 (cited by OMIM).

NM_000531.6(OTC):c.717+2T>C

Gene: OTC (ornithine transcarbamylase; plus strand). Cytogenetic location: Xp11.4.
Variant type: single nucleotide variant.
Coding change: c.717+2T>C on transcript NM_000531.6 (MANE Select); the canonical splice donor site of the intron after coding-DNA position 717, T replaced by C.
Molecular consequence: splice donor variant.
Genome position (GRCh38, 1-based): chrX:38,408,797, T>C. VCF-style: chrX-38408797-T-C. GRCh37 (hg19) VCF-style: chrX-38268050-T-C.
Other names: IVS7DS, T-C, +2; c.717+2T>C (NM_001407092.1).
Identifiers: ClinVar variation 10996 (VCV000010996.2), dbSNP rs72558431, ClinGen allele CA224754.